The following is an entry in ClinVar:

NM_001042681.2(RERE):c.4297C>T (p.His1433Tyr)

Gene: RERE (arginine-glutamic acid dipeptide repeats; minus strand). Cytogenetic location: 1p36.23.
Variant type: single nucleotide variant.
Coding change: c.4297C>T on transcript NM_001042681.2 (MANE Select); coding-DNA position 4297, C replaced by T.
Protein change: p.His1433Tyr; replaces histidine 1433 with tyrosine.
Molecular consequence: missense variant.
Genome position (GRCh38, 1-based): chr1:8,358,238, G>A on the plus strand (C>T on the coding strand, the complement: RERE is on the minus strand). VCF-style: chr1-8358238-G-A. GRCh37 (hg19) VCF-style: chr1-8418298-G-A.
Other names: c.2635C>T, p.His879Tyr (NM_001042682.2); c.4297C>T, p.His1433Tyr (NM_012102.4); short protein forms H1433Y, H879Y.
Identifiers: ClinVar variation 1686749 (VCV001686749.3), dbSNP rs1553154132, ClinGen allele CA338168799.

ClinVar aggregate classification (germline): Pathogenic (1 of 4 stars; one submission).

Submission:

GeneDx
Classification: Pathogenic. Last evaluated: 2024-05-13. Review status: criteria provided, single submitter. Criteria: GeneDx Variant Classification Process June 2021. Collection method: clinical testing. Allele origin: germline.
Comment: In silico analysis, which includes protein predictors and evolutionary conservation, supports a deleterious effect; Not observed in large population cohorts (gnomAD); Has not been previously published as pathogenic or benign to our knowledge